The following is an entry in ClinVar:

NM_032119.4(ADGRV1):c.11472G>A (p.Leu3824=)

Gene: ADGRV1 (adhesion G protein-coupled receptor V1; plus strand). Cytogenetic location: 5q14.3.
Variant type: single nucleotide variant.
Coding change: c.11472G>A on transcript NM_032119.4 (MANE Select); coding-DNA position 11472, G replaced by A.
Protein change: p.Leu3824=; no amino-acid change (leucine 3824 retained).
Molecular consequence: synonymous variant. On other transcripts: non-coding transcript variant (1).
Genome position (GRCh38, 1-based): chr5:90,755,077, G>A. VCF-style: chr5-90755077-G-A. GRCh37 (hg19) VCF-style: chr5-90050894-G-A.
Identifiers: ClinVar variation 46255 (VCV000046255.24), dbSNP rs74327115, ClinGen allele CA138002.
Genomic context (GRCh38, chr5:90,755,077, plus strand): 5'-AGATAAAGGACTACTTGGGGATATTGCCATTCACTTGAGAGCTCAACCCAATTTCTTACT[G>A]CATGTCGATAATCAAGCTACTGAGAATGAAGATTATGTATTGCAAGAAACAATAATAATA-3'
Protein context (NP_115495.3, residues 3814-3834): IHLRAQPNFL[Leu3824=]HVDNQATENE

ClinVar aggregate classification (germline): Benign. Review status: criteria provided, multiple submitters, no conflicts (2 of 4 stars). 6 submissions from 6 submitters: Benign (5). 1 of the submissions does not count toward it. Last evaluated 2026-02-02.

Conditions:
Usher syndrome type 2C. Also called: Usher syndrome, type 2B; USHER SYNDROME, TYPE IIC. Identifiers: Orphanet 231178, Orphanet 886, MedGen C2931213, MONDO:0011558, OMIM 605472.

Allele frequency attached by ClinVar (database versions not stated): gnomAD exomes 0.00617; ExAC 0.00750; gnomAD 0.02341; TOPMed 0.02458; ESP Exome Variant Server 0.02497; 1000 Genomes Project 0.02596; 1000 Genomes Project 30x 0.02764.
gnomAD v4.1: 7,090 of 1,610,576 alleles (0.44%); highest among the groups gnomAD compares: African/African-American, 8.2%; 276 homozygotes.

Submissions (6):

Labcorp Genetics (formerly Invitae), Labcorp
Classification: Benign. Last evaluated: 2026-02-02. Review status: criteria provided, single submitter. Criteria: Invitae Variant Classification Sherloc (09022015). Collection method: clinical testing. Allele origin: germline.

Athena Diagnostics
Classification: Benign. Last evaluated: 2024-08-07. Review status: criteria provided, single submitter. Criteria: Athena Diagnostics Criteria. Collection method: clinical testing. Allele origin: unknown.

Illumina Laboratory Services, Illumina
Classification: Benign for Usher syndrome type 2C. Last evaluated: 2018-01-13. Review status: criteria provided, single submitter. Criteria: ICSL Variant Classification Criteria 13 December 2019. Collection method: clinical testing. Allele origin: germline.
Comment: This variant was observed in the ICSL laboratory as part of a predisposition screen in an ostensibly healthy population. It had not been previously curated by ICSL or reported in the Human Gene Mutation Database (HGMD: prior to June 1st, 2018), and was therefore a candidate for classification through an automated scoring system. Utilizing variant allele frequency, disease prevalence and penetrance estimates, and inheritance mode, an automated score was calculated to assess if this variant is too frequent to cause the disease. Based on the score and internal cut-off values, a variant classified as benign is not then subjected to further curation. The score for this variant resulted in a classification of benign for this disease.

GeneDx
Classification: Benign. Last evaluated: 2017-10-23. Review status: criteria provided, single submitter. Criteria: GeneDx Variant Classification (06012015). Collection method: clinical testing. Allele origin: germline. Affected: yes.
Comment: This variant is considered likely benign or benign based on one or more of the following criteria: it is a conservative change, it occurs at a poorly conserved position in the protein, it is predicted to be benign by multiple in silico algorithms, and/or has population frequency not consistent with disease.

Laboratory for Molecular Medicine, Mass General Brigham Personalized Medicine
Classification: Benign. Last evaluated: 2012-05-07. Review status: criteria provided, single submitter. Criteria: LMM Criteria. Collection method: clinical testing. Allele origin: germline. Observed: 31 variant alleles.
Comment: "Leu3824Leu in Exon 55 of GPR98: This variant is not expected to have clinical s ignificance because it does not alter an amino acid residue, is not located with in the splice consensus sequence, and has been identified in 8.2% (249/3044) of African American chromosomes from a broad population by the NHLBI Exome Sequenci ng Project (dbSNP rs74327115)."

Genetic Services Laboratory, University of Chicago
Classification: Likely benign. Review status: no assertion criteria provided. Collection method: clinical testing. Allele origin: germline. Inheritance: Autosomal dominant inheritance. Not counted in ClinVar's aggregate classification.
Comment: Likely benign based on allele frequency in 1000 Genomes Project or ESP global frequency and its presence in a patient with a rare or unrelated disease phenotype. NOT Sanger confirmed